The following is an entry in ClinVar:

ClinVar aggregate classification (germline): Likely benign. Review status: criteria provided, multiple submitters, no conflicts (2 of 4 stars). 5 submissions from 5 submitters: Likely benign (4). 1 of the submissions does not count toward it. Last evaluated 2024-07-01.

Conditions:
Hereditary cancer-predisposing syndrome. Also called: Hereditary Cancer Syndrome; Hereditary neoplastic syndrome; Neoplastic Syndromes, Hereditary; Tumor predisposition. Identifiers: Orphanet 140162, MedGen C0027672, MeSH D009386, MONDO:0015356.
Hereditary breast ovarian cancer syndrome. Also called: BRCA1- and BRCA2-Associated Hereditary Breast and Ovarian Cancer; Hereditary breast and ovarian cancer syndrome; Hereditary breast and ovarian cancer syndrome (HBOC); Breast and ovarian cancer; Hereditary breast and/or ovarian cancer syndrome; Hereditary breast and ovarian cancer. Identifiers: Orphanet 145, MedGen C0677776, MeSH D061325, MONDO:0003582. Disease mechanism: loss of function.
Breast-ovarian cancer, familial, susceptibility to, 1 (BROVCA1). Also called: BRCA1 Hereditary Breast and Ovarian Cancer; OVARIAN CANCER, SUSCEPTIBILITY TO. Identifiers: Orphanet 145, MedGen C2676676, MONDO:0011450, OMIM 604370. Disease mechanism: loss of function.

Allele frequency attached by ClinVar (database versions not stated): gnomAD exomes below 0.00001.
gnomAD v4.1: 4 of 1,614,064 alleles (0.00025%); highest among the groups gnomAD compares: Non-Finnish European, 0.00034%; no homozygotes.

Submissions (5):

Labcorp Genetics (formerly Invitae), Labcorp
Classification: Likely benign for Hereditary breast ovarian cancer syndrome. Last evaluated: 2024-07-01. Review status: criteria provided, single submitter. Criteria: Invitae Variant Classification Sherloc (09022015). Collection method: clinical testing. Allele origin: germline.

Color Diagnostics, LLC DBA Color Health
Classification: Likely benign for Hereditary cancer-predisposing syndrome. Last evaluated: 2018-04-13. Review status: criteria provided, single submitter. Criteria: ACMG Guidelines, 2015. Collection method: clinical testing. Allele origin: germline.

Ambry Genetics
Classification: Likely benign for Hereditary cancer-predisposing syndrome. Last evaluated: 2017-07-31. Review status: criteria provided, single submitter. Criteria: Ambry Variant Classification Scheme 2023. Collection method: clinical testing. Allele origin: germline.

GeneDx
Classification: Likely benign. Last evaluated: 2016-12-31. Review status: criteria provided, single submitter. Criteria: GeneDx Variant Classification (06012015). Collection method: clinical testing. Allele origin: germline. Affected: yes.
Comment: This variant is considered likely benign or benign based on one or more of the following criteria: it is a conservative change, it occurs at a poorly conserved position in the protein, it is predicted to be benign by multiple in silico algorithms, and/or has population frequency not consistent with disease.

Sharing Clinical Reports Project (SCRP)
Classification: Likely benign for Breast-ovarian cancer, familial 1. Last evaluated: 2014-01-27. Review status: no assertion criteria provided. Collection method: clinical testing. Allele origin: germline. Not counted in ClinVar's aggregate classification.

NM_007294.4(BRCA1):c.4544G>A (p.Gly1515Glu)

Gene: BRCA1 (BRCA1 DNA repair associated; minus strand). Cytogenetic location: 17q21.31.
Variant type: single nucleotide variant.
Coding change: c.4544G>A on transcript NM_007294.4 (MANE Select); coding-DNA position 4544, G replaced by A.
Protein change: p.Gly1515Glu; replaces glycine 1515 with glutamic acid.
Molecular consequence: missense variant. On other transcripts: non-coding transcript variant (1).
Genome position (GRCh38, 1-based): chr17:43,074,462, C>T on the plus strand (G>A on the coding strand, the complement: BRCA1 is on the minus strand). VCF-style: chr17-43074462-C-T. GRCh37 (hg19) VCF-style: chr17-41226479-C-T.
Other names: 4663G>A; c.4331G>A, p.Gly1444Glu (NM_001407571.1, NM_001407898.1, NM_001407899.1 and 12 more transcripts); c.4610G>A, p.Gly1537Glu (NM_001407581.1, NM_001407582.1); c.4607G>A, p.Gly1536Glu (NM_001407583.1, NM_001407585.1, NM_001407587.1 and 1 more transcripts); c.4604G>A, p.Gly1535Glu (NM_001407590.1, NM_001407591.1); c.4544G>A, p.Gly1515Glu (NM_001407593.1, NM_001407594.1, NM_001407596.1 and 8 more transcripts); c.4541G>A, p.Gly1514Glu (NM_001407618.1, NM_001407619.1, NM_001407620.1 and 17 more transcripts); c.4538G>A, p.Gly1513Glu (NM_001407637.1, NM_001407638.1, NM_001407639.1 and 14 more transcripts); and 69 more; short protein forms G1515E, G1536E, G1468E, G411E, G1386E, G1404E, G1425E, G1427E.
Identifiers: ClinVar variation 91632 (VCV000091632.20), dbSNP rs398122688, ClinGen allele CA002899.